The following is an entry in ClinVar:

NM_001127898.4(CLCN5):c.544G>C (p.Glu182Gln)

Gene: CLCN5 (chloride voltage-gated channel 5; plus strand). Cytogenetic location: Xp11.23.
Variant type: single nucleotide variant.
Coding change: c.544G>C on transcript NM_001127898.4 (MANE Select); coding-DNA position 544, G replaced by C.
Protein change: p.Glu182Gln; replaces glutamic acid 182 with glutamine.
Molecular consequence: missense variant.
Genome position (GRCh38, 1-based): chrX:50,075,923, G>C. VCF-style: chrX-50075923-G-C. GRCh37 (hg19) VCF-style: chrX-49840578-G-C.
Other names: c.334G>C, p.Glu112Gln (NM_000084.5); c.544G>C, p.Glu182Gln (NM_001127899.4); c.394G>C, p.Glu132Gln (NM_001282163.2); short protein forms E112Q, E132Q, E182Q.
Identifiers: ClinVar variation 1716243 (VCV001716243.5), dbSNP rs1933383261, ClinGen allele CA413182756.

ClinVar aggregate classification (germline): Uncertain significance (1 of 4 stars; one submission).

Submission:

Labcorp Genetics (formerly Invitae), Labcorp
Classification: Uncertain significance. Last evaluated: 2022-08-12. Review status: criteria provided, single submitter. Criteria: Invitae Variant Classification Sherloc (09022015). Collection method: clinical testing. Allele origin: germline.
Comment: Algorithms developed to predict the effect of sequence changes on RNA splicing suggest that this variant may disrupt the consensus splice site. Algorithms developed to predict the effect of missense changes on protein structure and function (SIFT, PolyPhen-2, Align-GVGD) all suggest that this variant is likely to be tolerated. This variant has not been reported in the literature in individuals affected with CLCN5-related conditions. This variant is not present in population databases (gnomAD no frequency). This sequence change replaces glutamic acid, which is acidic and polar, with glutamine, which is neutral and polar, at codon 112 of the CLCN5 protein (p.Glu112Gln). In summary, the available evidence is currently insufficient to determine the role of this variant in disease. Therefore, it has been classified as a Variant of Uncertain Significance.